The following is an entry in ClinVar:

ClinVar aggregate classification (germline): Pathogenic (1 of 4 stars; one submission).

Conditions:
Glycogen storage disease type III (GSD3). Also called: FORBES DISEASE; Cori disease. Identifiers: Orphanet 366, MedGen C0017922, MONDO:0009291, OMIM 232400.

Submission:

Labcorp Genetics (formerly Invitae), Labcorp
Classification: Pathogenic for Glycogen storage disease type III. Last evaluated: 2021-04-06. Review status: criteria provided, single submitter. Criteria: Invitae Variant Classification Sherloc (09022015). Collection method: clinical testing. Allele origin: germline.
Comment: This sequence change creates a premature translational stop signal (p.Gly938Valfs*2) in the AGL gene. It is expected to result in an absent or disrupted protein product. Loss-of-function variants in AGL are known to be pathogenic (PMID: 19299494). For these reasons, this variant has been classified as Pathogenic. Algorithms developed to predict the effect of sequence changes on RNA splicing suggest that this variant may disrupt the consensus splice site, but this prediction has not been confirmed by published transcriptional studies. This variant has not been reported in the literature in individuals with AGL-related conditions. This variant is not present in population databases (ExAC no frequency).

Literature cited by the submitters: PubMed 19299494.

NC_000001.11:g.99891220del

Gene: AGL (amylo-alpha-1,6-glucosidase and 4-alpha-glucanotransferase; plus strand). Cytogenetic location: 1p21.2.
Variant type: Deletion.
Genome position: GRCh38 VCF-style: chr1-99891218-AG-A. GRCh37 (hg19) VCF-style: chr1-100356774-AG-A.
Identifiers: ClinVar variation 1454372 (VCV001454372.6), dbSNP rs2100788198, ClinGen allele CA2573132743.
Genomic context (GRCh38, chr1:99,891,218, plus strand): 5'-GAGGATATAGGAACAAATTGATGCTACCAATAATACAGCATGACATGTCTCTGAATTTTC[AG>A]GTTTAATGTCTGTATTGGCAGAAATAAGACCAAAGAATGACTTGGGGCATCCTTTTTGTA-3'